The following is an entry in ClinVar:

ClinVar aggregate classification (germline): Uncertain significance (1 of 4 stars; one submission).

Conditions:
Ehlers-Danlos syndrome, classic type, 1 (EDSCL1). Also called: EHLERS-DANLOS SYNDROME, GRAVIS TYPE; EHLERS-DANLOS SYNDROME, SEVERE CLASSIC TYPE; Ehlers-Danlos syndrome, type 1; EDS I; Ehlers-Danlos Syndrome, Classic Type, COL5A1-Related. Identifiers: MedGen C0268335, MONDO:0019567, OMIM 130000.

Submission:

Labcorp Genetics (formerly Invitae), Labcorp
Classification: Uncertain significance for Ehlers-Danlos syndrome, classic type, 1. Last evaluated: 2021-02-13. Review status: criteria provided, single submitter. Criteria: Invitae Variant Classification Sherloc (09022015). Collection method: clinical testing. Allele origin: germline.
Comment: In summary, the available evidence is currently insufficient to determine the role of this variant in disease. Therefore, it has been classified as a Variant of Uncertain Significance. Algorithms developed to predict the effect of missense changes on protein structure and function are either unavailable or do not agree on the potential impact of this missense change (SIFT: "Deleterious"; PolyPhen-2: "Probably Damaging"; Align-GVGD: "Class C0"). This variant has not been reported in the literature in individuals with COL5A2-related conditions. This variant is not present in population databases (ExAC no frequency). This sequence change replaces proline with serine at codon 419 of the COL5A2 protein (p.Pro419Ser). The proline residue is highly conserved and there is a moderate physicochemical difference between proline and serine.

NM_000393.5(COL5A2):c.1255C>T (p.Pro419Ser)

Gene: COL5A2 (collagen type V alpha 2 chain; minus strand). Cytogenetic location: 2q32.2.
Variant type: single nucleotide variant.
Coding change: c.1255C>T on transcript NM_000393.5 (MANE Select); coding-DNA position 1255, C replaced by T.
Protein change: p.Pro419Ser; replaces proline 419 with serine.
Molecular consequence: missense variant.
Genome position (GRCh38, 1-based): chr2:189,068,788, G>A on the plus strand (C>T on the coding strand, the complement: COL5A2 is on the minus strand). VCF-style: chr2-189068788-G-A. GRCh37 (hg19) VCF-style: chr2-189933514-G-A.
Other names: short protein forms P419S.
Identifiers: ClinVar variation 1371684 (VCV001371684.8), dbSNP rs1245178744, ClinGen allele CA349853480.